The following is an entry in ClinVar:

ClinVar aggregate classification (germline): Benign/Likely benign. Review status: criteria provided, multiple submitters, no conflicts (2 of 4 stars). 5 submissions from 4 submitters: Benign (4); Likely benign (1). Last evaluated 2026-01-28.

Conditions:
Fibromuscular dysplasia, multifocal. Identifiers: MedGen C5543412, MONDO:0859151, OMIM 619329.
Ehlers-Danlos syndrome, classic type, 1 (EDSCL1). Also called: Ehlers-Danlos syndrome, type 1; EHLERS-DANLOS SYNDROME, GRAVIS TYPE; EHLERS-DANLOS SYNDROME, SEVERE CLASSIC TYPE; Ehlers-Danlos Syndrome, Classic Type, COL5A1-Related; EDS I. Identifiers: MedGen C0268335, MONDO:0019567, OMIM 130000.

Allele frequency attached by ClinVar (database versions not stated): gnomAD 0.00001 and 0.00032; TOPMed 0.00006; gnomAD exomes 0.00054 and 0.00114; ExAC 0.00148; 1000 Genomes Project 30x 0.00172; 1000 Genomes Project 0.00220.
gnomAD v4.1: 854 of 1,612,146 alleles (0.053%); highest among the groups gnomAD compares: South Asian, 0.88%; 10 homozygotes.

Submissions (5):

Labcorp Genetics (formerly Invitae), Labcorp
Classification: Benign for Ehlers-Danlos syndrome, classic type, 1. Last evaluated: 2026-01-28. Review status: criteria provided, single submitter. Criteria: Invitae Variant Classification Sherloc (09022015). Collection method: clinical testing. Allele origin: germline.

Blueprint Genetics
Classification: Likely benign. Last evaluated: 2024-11-06. Review status: criteria provided, single submitter. Criteria: ACMG Guidelines, 2015. Collection method: clinical testing. Allele origin: germline.

Genome-Nilou Lab
Classification: Benign for Ehlers-Danlos syndrome, classic type, 1. Last evaluated: 2022-03-15. Review status: criteria provided, single submitter. Criteria: ACMG Guidelines, 2015. Collection method: clinical testing. Allele origin: germline. Affected: no.

Genome-Nilou Lab
Classification: Benign for Fibromuscular dysplasia, multifocal. Last evaluated: 2022-03-15. Review status: criteria provided, single submitter. Criteria: ACMG Guidelines, 2015. Collection method: clinical testing. Allele origin: germline. Affected: no.

GeneDx
Classification: Benign. Last evaluated: 2014-05-16. Review status: criteria provided, single submitter. Criteria: GeneDx Variant Classification (06012015). Collection method: clinical testing. Allele origin: germline. Affected: yes.
Comment: This variant is considered likely benign or benign based on one or more of the following criteria: it is a conservative change, it occurs at a poorly conserved position in the protein, it is predicted to be benign by multiple in silico algorithms, and/or has population frequency not consistent with disease.

NM_000093.5(COL5A1):c.4015-19C>T

Gene: COL5A1 (collagen type V alpha 1 chain; plus strand). Cytogenetic location: 9q34.3.
Variant type: single nucleotide variant.
Coding change: c.4015-19C>T on transcript NM_000093.5 (MANE Select); 19 bases into the intron before coding-DNA position 4015, C replaced by T.
Molecular consequence: intron variant.
Genome position (GRCh38, 1-based): chr9:134,815,557, C>T. VCF-style: chr9-134815557-C-T. GRCh37 (hg19) VCF-style: chr9-137707403-C-T.
Other names: c.4015-19C>T (NM_001278074.1).
Identifiers: ClinVar variation 136886 (VCV000136886.11), dbSNP rs527971001, ClinGen allele CA290267.